The following is an entry in ClinVar:

ClinVar aggregate classification (germline): Uncertain significance. Review status: criteria provided, multiple submitters, no conflicts (2 of 4 stars). 2 submissions from 2 submitters: Uncertain significance (2). Last evaluated 2024-09-24.

Conditions:
Inborn genetic diseases. Identifiers: MedGen C0950123, MeSH D030342.
LAMA2-related muscular dystrophy (LAMA2-RD). Also called: Laminin alpha 2-related dystrophy. Identifiers: MedGen C5679788, MONDO:0100228.

Allele frequency attached by ClinVar (database versions not stated): ExAC 0.00001; gnomAD 0.00001.
gnomAD v4.1: 13 of 1,614,050 alleles (0.00081%); highest among the groups gnomAD compares: Non-Finnish European, 0.001%; no homozygotes.

Submissions (2):

Ambry Genetics
Classification: Uncertain significance for Inborn genetic diseases. Last evaluated: 2024-09-24. Review status: criteria provided, single submitter. Criteria: Ambry Variant Classification Scheme 2023. Collection method: clinical testing. Allele origin: germline.

Labcorp Genetics (formerly Invitae), Labcorp
Classification: Uncertain significance for LAMA2-related muscular dystrophy. Last evaluated: 2022-03-26. Review status: criteria provided, single submitter. Criteria: Invitae Variant Classification Sherloc (09022015). Collection method: clinical testing. Allele origin: germline.
Comment: This variant has not been reported in the literature in individuals affected with LAMA2-related conditions. This sequence change replaces glutamine, which is neutral and polar, with histidine, which is basic and polar, at codon 1899 of the LAMA2 protein (p.Gln1899His). This variant is present in population databases (rs748011930, gnomAD 0.0009%). Advanced modeling of protein sequence and biophysical properties (such as structural, functional, and spatial information, amino acid conservation, physicochemical variation, residue mobility, and thermodynamic stability) performed at Invitae indicates that this missense variant is not expected to disrupt LAMA2 protein function. In summary, the available evidence is currently insufficient to determine the role of this variant in disease. Therefore, it has been classified as a Variant of Uncertain Significance.

NM_000426.4(LAMA2):c.5697G>C (p.Gln1899His)

Gene: LAMA2 (laminin subunit alpha 2; plus strand). Cytogenetic location: 6q22.33.
Variant type: single nucleotide variant.
Coding change: c.5697G>C on transcript NM_000426.4 (MANE Select); coding-DNA position 5697, G replaced by C.
Protein change: p.Gln1899His; replaces glutamine 1899 with histidine.
Molecular consequence: missense variant.
Genome position (GRCh38, 1-based): chr6:129,402,458, G>C. VCF-style: chr6-129402458-G-C. GRCh37 (hg19) VCF-style: chr6-129723603-G-C.
Other names: c.5697G>C, p.Gln1899His (NM_001079823.2); short protein forms Q1899H.
Identifiers: ClinVar variation 2148183 (VCV002148183.4), dbSNP rs748011930, ClinGen allele CA3993955.